The following is an entry in ClinVar:

ClinVar aggregate classification (germline): Uncertain significance. Review status: criteria provided, multiple submitters, no conflicts (2 of 4 stars). 2 submissions from 2 submitters: Uncertain significance (2). Last evaluated 2026-03-22.

gnomAD v4.1: 22 of 1,613,554 alleles (0.0014%); highest among the groups gnomAD compares: East Asian, 0.016%; no homozygotes.

Submissions (2):

GeneDx
Classification: Uncertain significance. Last evaluated: 2026-03-22. Review status: criteria provided, single submitter. Criteria: GeneDx Variant Classification Process June 2021. Collection method: clinical testing. Allele origin: germline.
Comment: In silico analysis supports that this missense variant has a deleterious effect on protein structure/function; Has not been previously published as pathogenic or benign to our knowledge

Labcorp Genetics (formerly Invitae), Labcorp
Classification: Uncertain significance. Last evaluated: 2023-12-30. Review status: criteria provided, single submitter. Criteria: Invitae Variant Classification Sherloc (09022015). Collection method: clinical testing. Allele origin: germline.
Comment: This sequence change replaces arginine, which is basic and polar, with histidine, which is basic and polar, at codon 24 of the SPTBN4 protein (p.Arg24His). This variant is present in population databases (rs146428235, gnomAD 0.02%). This variant has not been reported in the literature in individuals affected with SPTBN4-related conditions. Advanced modeling of protein sequence and biophysical properties (such as structural, functional, and spatial information, amino acid conservation, physicochemical variation, residue mobility, and thermodynamic stability) performed at Invitae indicates that this missense variant is not expected to disrupt SPTBN4 protein function with a negative predictive value of 95%. In summary, the available evidence is currently insufficient to determine the role of this variant in disease. Therefore, it has been classified as a Variant of Uncertain Significance.

NM_020971.3(SPTBN4):c.71G>A (p.Arg24His)

Gene: SPTBN4 (spectrin beta, non-erythrocytic 4; plus strand). Cytogenetic location: 19q13.2.
Variant type: single nucleotide variant.
Coding change: c.71G>A on transcript NM_020971.3 (MANE Select); coding-DNA position 71, G replaced by A.
Protein change: p.Arg24His; replaces arginine 24 with histidine.
Molecular consequence: missense variant.
Genome position (GRCh38, 1-based): chr19:40,472,692, G>A. VCF-style: chr19-40472692-G-A. GRCh37 (hg19) VCF-style: chr19-40978599-G-A.
Other names: c.71G>A (NM_020971.2); short protein forms R24H.
Identifiers: ClinVar variation 2912792 (VCV002912792.4), dbSNP rs146428235, ClinGen allele CA9445237.